The following is an entry in ClinVar:

NM_001170700.3(DTHD1):c.2608G>A (p.Ala870Thr)

Gene: DTHD1 (death domain containing 1; plus strand). Cytogenetic location: 4p14.
Variant type: single nucleotide variant.
Coding change: c.2608G>A on transcript NM_001170700.3 (MANE Select); coding-DNA position 2608, G replaced by A.
Protein change: p.Ala870Thr; replaces alanine 870 with threonine.
Molecular consequence: missense variant. On other transcripts: nonsense (1), non-coding transcript variant (2).
Genome position (GRCh38, 1-based): chr4:36,343,711, G>A. VCF-style: chr4-36343711-G-A. GRCh37 (hg19) VCF-style: chr4-36345333-G-A.
Other names: c.1738G>A, p.Ala580Thr (NM_001136536.5); c.1617G>A, p.Trp539Ter (NM_001378435.1); short protein forms A580T, W539*, A870T.
Identifiers: ClinVar variation 1490910 (VCV001490910.8), dbSNP rs1441428754, ClinGen allele CA356682468.
Genomic context (GRCh38, chr4:36,343,711, plus strand): 5'-GAGTTTCTTTGCTTCTGGAAAAAATCGCTTCCAACTTTCACCGACAAACTTCGCCTCCTG[G>A]CTCGACATCTCCGCAAGATTGGCAGGAGTGATCTTGCAGAAGAGCTCAAATTCAAGTGGG-3'
Protein context (NP_001164171.2, residues 860-880): PTFTDKLRLL[Ala870Thr]RHLRKIGRSD

ClinVar aggregate classification (germline): Uncertain significance (1 of 4 stars; one submission).

Allele frequency attached by ClinVar (database versions not stated): gnomAD exomes 0.00001; TOPMed 0.00001.

Submission:

Labcorp Genetics (formerly Invitae), Labcorp
Classification: Uncertain significance. Last evaluated: 2024-03-05. Review status: criteria provided, single submitter. Criteria: Invitae Variant Classification Sherloc (09022015). Collection method: clinical testing. Allele origin: germline.
Comment: This sequence change replaces alanine, which is neutral and non-polar, with threonine, which is neutral and polar, at codon 580 of the DTHD1 protein (p.Ala580Thr). This variant is present in population databases (no rsID available, gnomAD 0.002%). This variant has not been reported in the literature in individuals affected with DTHD1-related conditions. ClinVar contains an entry for this variant (Variation ID: 1490910). Algorithms developed to predict the effect of missense changes on protein structure and function output the following: SIFT: "Not Available"; PolyPhen-2: "Benign"; Align-GVGD: "Not Available". The threonine amino acid residue is found in multiple mammalian species, which suggests that this missense change does not adversely affect protein function. In summary, the available evidence is currently insufficient to determine the role of this variant in disease. Therefore, it has been classified as a Variant of Uncertain Significance.